The following is an entry in ClinVar:

NM_007186.6(CEP250):c.4782G>A (p.Thr1594=)

Gene: CEP250 (centrosomal protein 250; plus strand). Cytogenetic location: 20q11.22.
Variant type: single nucleotide variant.
Coding change: c.4782G>A on transcript NM_007186.6 (MANE Select); coding-DNA position 4782, G replaced by A.
Protein change: p.Thr1594=; no amino-acid change (threonine 1594 retained).
Molecular consequence: synonymous variant.
Genome position (GRCh38, 1-based): chr20:35,503,151, G>A. VCF-style: chr20-35503151-G-A. GRCh37 (hg19) VCF-style: chr20-34090979-G-A.
Other names: c.2886G>A, p.Thr962= (NM_001318219.1).
Identifiers: ClinVar variation 773608 (VCV000773608.34), dbSNP rs41290924, ClinGen allele CA9833763.

ClinVar aggregate classification (germline): Benign. Review status: criteria provided, multiple submitters, no conflicts (2 of 4 stars). 3 submissions from 3 submitters: Benign (3). Last evaluated 2026-08-01.

Allele frequency attached by ClinVar (database versions not stated): 1000 Genomes Project 0.00599; 1000 Genomes Project 30x 0.00656; ExAC 0.00904; gnomAD exomes 0.00906 and 0.01228; gnomAD 0.01074; TOPMed 0.01119; ESP Exome Variant Server 0.01192.
gnomAD v4.1: 19,678 of 1,614,056 alleles (1.2%); highest among the groups gnomAD compares: Non-Finnish European, 1.4%; 134 homozygotes.

Submissions (3):

CeGaT Center for Human Genetics Tuebingen
Classification: Benign. Last evaluated: 2026-08-01. Review status: criteria provided, single submitter. Criteria: CeGaT Center For Human Genetics Tuebingen Variant Classification Criteria Version 2. Collection method: clinical testing. Allele origin: germline. Affected: yes. Observed: 11 variant alleles.
Comment: CEP250: BP4, BP7, BS1, BS2

Labcorp Genetics (formerly Invitae), Labcorp
Classification: Benign. Last evaluated: 2026-02-03. Review status: criteria provided, single submitter. Criteria: Invitae Variant Classification Sherloc (09022015). Collection method: clinical testing. Allele origin: germline.

Breakthrough Genomics
Classification: Benign. Review status: criteria provided, single submitter. Criteria: ACMG Guidelines, 2015. Collection method: not provided. Allele origin: germline. Inheritance: Autosomal recessive inheritance. Affected: yes.